The following is an entry in ClinVar:

NM_002641.4(PIGA):c.764C>T (p.Pro255Leu)

Gene: PIGA (phosphatidylinositol glycan anchor biosynthesis class A; minus strand). Cytogenetic location: Xp22.2.
Variant type: single nucleotide variant.
Coding change: c.764C>T on transcript NM_002641.4 (MANE Select); coding-DNA position 764, C replaced by T.
Protein change: p.Pro255Leu; replaces proline 255 with leucine.
Molecular consequence: missense variant. On other transcripts: non-coding transcript variant (2).
Genome position (GRCh38, 1-based): chrX:15,325,998, G>A on the plus strand (C>T on the coding strand, the complement: PIGA is on the minus strand). VCF-style: chrX-15325998-G-A. GRCh37 (hg19) VCF-style: chrX-15344120-G-A.
Other names: c.62C>T, p.Pro21Leu (NM_020473.3); short protein forms P21L, P255L.
Identifiers: ClinVar variation 3368339 (VCV003368339.1).
Genomic context (GRCh38, chrX:15,325,998, plus strand): 5'-CGAACTTCTTCCAAAATGATTCTCTTTGGTCCCTCTCCTCCAATTATGAAATTTAAATCT[G>A]GATATTTCTGACAGAGTTCAGGTATTATACCACTAAGCAAATCGATCCCTGAAAATATAA-3'
Protein context (NP_002632.1, residues 245-265): GIIPELCQKY[Pro255Leu]DLNFIIGGEG

ClinVar aggregate classification (germline): Uncertain significance (1 of 4 stars; one submission).

Submission:

GeneDx
Classification: Uncertain significance. Last evaluated: 2024-01-24. Review status: criteria provided, single submitter. Criteria: GeneDx Variant Classification Process June 2021. Collection method: clinical testing. Allele origin: germline. Affected: yes.
Comment: Not observed at significant frequency in large population cohorts (gnomAD); In silico analysis supports that this missense variant has a deleterious effect on protein structure/function; Has not been previously published as pathogenic or benign to our knowledge